The following is an entry in ClinVar:

ClinVar aggregate classification (germline): Likely benign. Review status: criteria provided, multiple submitters, no conflicts (2 of 4 stars). 2 submissions from 2 submitters: Likely benign (2). Last evaluated 2024-07-01.

Allele frequency attached by ClinVar (database versions not stated): gnomAD exomes 0.00010 and 0.00021; 1000 Genomes Project 30x 0.00031; ExAC 0.00036; 1000 Genomes Project 0.00040; ESP Exome Variant Server 0.00077; gnomAD 0.00082 and 0.00093; TOPMed 0.00083.
gnomAD v4.1: 281 of 1,614,186 alleles (0.017%); highest among the groups gnomAD compares: African/African-American, 0.28%; 3 homozygotes.

Submissions (2):

CeGaT Center for Human Genetics Tuebingen
Classification: Likely benign. Last evaluated: 2024-07-01. Review status: criteria provided, single submitter. Criteria: CeGaT Center For Human Genetics Tuebingen Variant Classification Criteria Version 2. Collection method: clinical testing. Allele origin: germline. Affected: yes. Observed: 1 variant allele.
Comment: DHX34: BP4

Labcorp Genetics (formerly Invitae), Labcorp
Classification: Likely benign. Last evaluated: 2018-01-12. Review status: criteria provided, single submitter. Criteria: Invitae Variant Classification Sherloc (09022015). Collection method: clinical testing. Allele origin: germline.

NM_014681.6(DHX34):c.380C>T (p.Ala127Val)

Gene: DHX34 (DExH-box helicase 34; plus strand). Cytogenetic location: 19q13.32.
Variant type: single nucleotide variant.
Coding change: c.380C>T on transcript NM_014681.6 (MANE Select); coding-DNA position 380, C replaced by T.
Protein change: p.Ala127Val; replaces alanine 127 with valine.
Molecular consequence: missense variant.
Genome position (GRCh38, 1-based): chr19:47,353,410, C>T. VCF-style: chr19-47353410-C-T. GRCh37 (hg19) VCF-style: chr19-47856667-C-T.
Other names: short protein forms A127V.
Identifiers: ClinVar variation 728098 (VCV000728098.20), dbSNP rs140291013, ClinGen allele CA9537736.
Genomic context (GRCh38, chr19:47,353,410, plus strand): 5'-ACCTCTCTGTTCTTGGCCCTGCCACGCGGGGCTCTCAGGGACTGGGCAGGCACTTGCCCG[C>T]GGAGAGAGTGGCTGAGTTCCGCCGAGCCCTGTTGCACTACCTGGACTTTGGCCAGAAGCA-3'
Protein context (NP_055496.2, residues 117-137): GSQGLGRHLP[Ala127Val]ERVAEFRRAL